The following is an entry in ClinVar:

NM_000051.4(ATM):c.3800del (p.Glu1267fs)

Gene: ATM (ATM serine/threonine kinase; plus strand). Cytogenetic location: 11q22.3.
Variant type: Deletion.
Coding change: c.3800del on transcript NM_000051.4 (MANE Select); coding-DNA position 3800, one base deleted (A; older notation c.3800delA).
Protein change: p.Glu1267fs; shifts the reading frame from glutamic acid 1267.
Molecular consequence: frameshift variant.
Genome position (GRCh38, 1-based): chr11:108,284,280, A deleted. VCF-style (leftmost placement, unchanged base first): chr11-108284279-GA-G. GRCh37 (hg19) VCF-style: chr11-108155006-GA-G.
Other names: c.3800del, p.Glu1267fs (NM_001351834.2); short protein forms E1267fs.
Identifiers: ClinVar variation 4724384 (VCV004724384.1).

ClinVar aggregate classification (germline): Pathogenic (1 of 4 stars; one submission).

Conditions:
Ataxia-telangiectasia syndrome (AT). Also called: ATAXIA-TELANGIECTASIA, COMPLEMENTATION GROUP A; ATAXIA-TELANGIECTASIA, FRESNO VARIANT; Ataxia-telangiectasia; LOUIS-BAR SYNDROME; Cerebello-oculocutaneous telangiectasia; Immunodeficiency with ataxia telangiectasia. Identifiers: Orphanet 100, MedGen C0004135, MONDO:0008840, OMIM 208900.

Submission:

Labcorp Genetics (formerly Invitae), Labcorp
Classification: Pathogenic for Ataxia-telangiectasia syndrome. Last evaluated: 2025-07-30. Review status: criteria provided, single submitter. Criteria: Invitae Variant Classification Sherloc (09022015). Collection method: clinical testing. Allele origin: germline.
Comment: This sequence change creates a premature translational stop signal (p.Glu1267Glyfs*2) in the ATM gene. It is expected to result in an absent or disrupted protein product. Loss-of-function variants in ATM are known to be pathogenic (PMID: 23807571, 25614872). This variant is not present in population databases (gnomAD no frequency). This variant has not been reported in the literature in individuals affected with ATM-related conditions. For these reasons, this variant has been classified as Pathogenic.

Literature cited by the submitters: PubMed 23807571; PubMed 25614872.